The following is an entry in ClinVar:

NM_033305.3(VPS13A):c.6037A>T (p.Thr2013Ser)

Gene: VPS13A (vacuolar protein sorting 13 homolog A; plus strand). Cytogenetic location: 9q21.2.
Variant type: single nucleotide variant.
Coding change: c.6037A>T on transcript NM_033305.3 (MANE Select); coding-DNA position 6037, A replaced by T.
Protein change: p.Thr2013Ser; replaces threonine 2013 with serine.
Molecular consequence: missense variant.
Genome position (GRCh38, 1-based): chr9:77,332,055, A>T. VCF-style: chr9-77332055-A-T. GRCh37 (hg19) VCF-style: chr9-79946971-A-T.
Other names: c.5920A>T, p.Thr1974Ser (NM_001018037.2); c.6037A>T, p.Thr2013Ser (NM_001018038.3, NM_015186.4); short protein forms T1974S, T2013S.
Identifiers: ClinVar variation 3901563 (VCV003901563.3).

ClinVar aggregate classification (germline): Conflicting classifications of pathogenicity. Review status: criteria provided, conflicting classifications (1 of 4 stars). 3 submissions from 3 submitters: Uncertain significance (2); Likely benign (1). Last evaluated 2026-04-07.

gnomAD v4.1: 56 of 1,612,236 alleles (0.0035%); highest among the groups gnomAD compares: South Asian, 0.06%; no homozygotes.

Submissions (3):

Women's Health and Genetics/Laboratory Corporation of America, LabCorp
Classification: Uncertain significance. Last evaluated: 2026-04-07. Review status: criteria provided, single submitter. Criteria: LabCorp Variant Classification Summary - May 2015. Collection method: clinical testing. Allele origin: germline.
Comment: Variant summary: VPS13A c.6037A>T (p.Thr2013Ser) results in a conservative amino acid change in the encoded protein sequence. Algorithms developed to predict the effect of missense changes on protein structure and function all suggest that this variant is likely to be tolerated. The variant allele was found at a frequency of 7.2e-05 in 251182 control chromosomes. This frequency is not significantly higher than estimated for disease-causing variants in VPS13A, allowing no conclusion about variant significance. To our knowledge, no occurrence of c.6037A>T in individuals affected with VPS13A-related conditions and no experimental evidence demonstrating its impact on protein function have been reported. ClinVar contains an entry for this variant (Variation ID: 3901563). Based on the evidence outlined above, the variant was classified as uncertain significance.

GeneDx
Classification: Uncertain significance. Last evaluated: 2024-12-05. Review status: criteria provided, single submitter. Criteria: GeneDx Variant Classification Process June 2021. Collection method: clinical testing. Allele origin: germline. Affected: yes.
Comment: In silico analysis indicates that this missense variant does not alter protein structure/function; Has not been previously published as pathogenic or benign to our knowledge

Blueprint Genetics
Classification: Likely benign. Last evaluated: 2024-09-02. Review status: criteria provided, single submitter. Criteria: ACMG Guidelines, 2015. Collection method: clinical testing. Allele origin: germline.